The following is an entry in ClinVar:

ClinVar aggregate classification (germline): Uncertain significance (1 of 4 stars; one submission).

gnomAD v4.1: 5 of 1,569,686 alleles (0.00032%); highest among the groups gnomAD compares: African/African-American, 0.0041%; no homozygotes.

Submission:

Labcorp Genetics (formerly Invitae), Labcorp
Classification: Uncertain significance. Last evaluated: 2024-10-08. Review status: criteria provided, single submitter. Criteria: Invitae Variant Classification Sherloc (09022015). Collection method: clinical testing. Allele origin: germline.
Comment: This sequence change replaces glutamine, which is neutral and polar, with lysine, which is basic and polar, at codon 336 of the POLE2 protein (p.Gln336Lys). The frequency data for this variant in the population databases is considered unreliable, as metrics indicate poor data quality at this position in the gnomAD database. This variant has not been reported in the literature in individuals affected with POLE2-related conditions. An algorithm developed to predict the effect of missense changes on protein structure and function (PolyPhen-2) suggests that this variant is likely to be tolerated. In summary, the available evidence is currently insufficient to determine the role of this variant in disease. Therefore, it has been classified as a Variant of Uncertain Significance.

NM_002692.4(POLE2):c.1006C>A (p.Gln336Lys)

Gene: POLE2 (DNA polymerase epsilon 2, accessory subunit; minus strand). Cytogenetic location: 14q21.3.
Variant type: single nucleotide variant.
Coding change: c.1006C>A on transcript NM_002692.4 (MANE Select); coding-DNA position 1006, C replaced by A.
Protein change: p.Gln336Lys; replaces glutamine 336 with lysine.
Molecular consequence: missense variant.
Genome position (GRCh38, 1-based): chr14:49,655,017, G>T on the plus strand (C>A on the coding strand, the complement: POLE2 is on the minus strand). VCF-style: chr14-49655017-G-T. GRCh37 (hg19) VCF-style: chr14-50121735-G-T.
Other names: c.928C>A, p.Gln310Lys (NM_001197330.2); c.1006C>A, p.Gln336Lys (NM_001197331.3, NM_001348384.2); c.775C>A, p.Gln259Lys (NM_001348385.2); short protein forms Q259K, Q336K, Q310K.
Identifiers: ClinVar variation 3680866 (VCV003680866.2).